The following is an entry in ClinVar:

ClinVar aggregate classification (germline): Uncertain significance (1 of 4 stars; one submission).

Conditions:
Dilated cardiomyopathy 1W (CMD1W). Identifiers: Orphanet 154, MedGen C1969639, MONDO:0012667, OMIM 611407.

Allele frequency attached by ClinVar (database versions not stated): gnomAD exomes below 0.00001.
gnomAD v4.1: 1 of 1,614,148 alleles (0.000062%); highest among the groups gnomAD compares: Non-Finnish European, 0.000085%; no homozygotes.

Submission:

Labcorp Genetics (formerly Invitae), Labcorp
Classification: Uncertain significance for Dilated cardiomyopathy 1W. Last evaluated: 2022-07-29. Review status: criteria provided, single submitter. Criteria: Invitae Variant Classification Sherloc (09022015). Collection method: clinical testing. Allele origin: germline.
Comment: This sequence change replaces isoleucine, which is neutral and non-polar, with serine, which is neutral and polar, at codon 756 of the VCL protein (p.Ile756Ser). This variant is not present in population databases (gnomAD no frequency). This variant has not been reported in the literature in individuals affected with VCL-related conditions. Algorithms developed to predict the effect of missense changes on protein structure and function are either unavailable or do not agree on the potential impact of this missense change (SIFT: "Not Available"; PolyPhen-2: "Probably Damaging"; Align-GVGD: "Not Available"). In summary, the available evidence is currently insufficient to determine the role of this variant in disease. Therefore, it has been classified as a Variant of Uncertain Significance.

NM_014000.3(VCL):c.2267T>G (p.Ile756Ser)

Gene: VCL (vinculin; plus strand). Cytogenetic location: 10q22.2.
Variant type: single nucleotide variant.
Coding change: c.2267T>G on transcript NM_014000.3 (MANE Select); coding-DNA position 2267, T replaced by G.
Protein change: p.Ile756Ser; replaces isoleucine 756 with serine.
Molecular consequence: missense variant.
Genome position (GRCh38, 1-based): chr10:74,105,186, T>G. VCF-style: chr10-74105186-T-G. GRCh37 (hg19) VCF-style: chr10-75864944-T-G.
Other names: c.2267T>G, p.Ile756Ser (NM_003373.4); short protein forms I756S.
Identifiers: ClinVar variation 1714118 (VCV001714118.5), dbSNP rs1554818898, ClinGen allele CA377262314.